The following is an entry in ClinVar:

ClinVar aggregate classification (germline): Benign. Review status: criteria provided, single submitter (1 of 4 stars). 2 submissions from 2 submitters: Benign (1). 1 of the submissions does not count toward it. Last evaluated 2025-12-17.

Conditions:
KRT85-related disorder. Also called: KRT85-related condition.

Allele frequency attached by ClinVar (database versions not stated): 1000 Genomes Project 0.00300; 1000 Genomes Project 30x 0.00312; ESP Exome Variant Server 0.00408.
gnomAD v4.1: 904 of 1,614,152 alleles (0.056%); highest among the groups gnomAD compares: African/African-American, 1.1%; 3 homozygotes.

Submissions (2):

Labcorp Genetics (formerly Invitae), Labcorp
Classification: Benign. Last evaluated: 2025-12-17. Review status: criteria provided, single submitter. Criteria: Invitae Variant Classification Sherloc (09022015). Collection method: clinical testing. Allele origin: germline.

PreventionGenetics, part of Exact Sciences
Classification: Benign for KRT85-related condition. Last evaluated: 2024-02-29. Review status: no assertion criteria provided. Collection method: clinical testing. Allele origin: germline. Not counted in ClinVar's aggregate classification.
Comment: This variant is classified as benign based on ACMG/AMP sequence variant interpretation guidelines (Richards et al. 2015 PMID: 25741868, with internal and published modifications).

NM_002283.4(KRT85):c.924C>A (p.Ala308=)

Gene: KRT85 (keratin 85; minus strand). Cytogenetic location: 12q13.13.
Variant type: single nucleotide variant.
Coding change: c.924C>A on transcript NM_002283.4 (MANE Select); coding-DNA position 924, C replaced by A.
Protein change: p.Ala308=; no amino-acid change (alanine 308 retained).
Molecular consequence: synonymous variant.
Genome position (GRCh38, 1-based): chr12:52,363,273, G>T on the plus strand (C>A on the coding strand, the complement: KRT85 is on the minus strand). VCF-style: chr12-52363273-G-T. GRCh37 (hg19) VCF-style: chr12-52757057-G-T.
Other names: c.924C>A (NM_002283.3); c.288C>A, p.Ala96= (NM_001300810.1).
Identifiers: ClinVar variation 2052193 (VCV002052193.6), dbSNP rs61731778, ClinGen allele CA6578101.